The following is an entry in ClinVar:

NM_018139.3(DNAAF2):c.1430G>A (p.Trp477Ter)

Gene: DNAAF2 (dynein axonemal assembly factor 2; minus strand). Cytogenetic location: 14q21.3.
Variant type: single nucleotide variant.
Coding change: c.1430G>A on transcript NM_018139.3 (MANE Select); coding-DNA position 1430, G replaced by A.
Protein change: p.Trp477Ter; replaces tryptophan 477 with a stop codon.
Molecular consequence: nonsense. On other transcripts: 5 prime UTR variant (1).
Genome position (GRCh38, 1-based): chr14:49,633,720, C>T on the plus strand (G>A on the coding strand, the complement: DNAAF2 is on the minus strand). VCF-style: chr14-49633720-C-T. GRCh37 (hg19) VCF-style: chr14-50100438-C-T.
Other names: c.1430G>A, p.Trp477Ter (NM_001083908.2); c.-442G>A (NM_001378453.1); short protein forms W477*.
Identifiers: ClinVar variation 4742765 (VCV004742765.1).

ClinVar aggregate classification (germline): Pathogenic (1 of 4 stars; one submission).

Conditions:
Primary ciliary dyskinesia. Also called: Ciliary dyskinesia. Identifiers: Orphanet 244, MedGen C0008780, MONDO:0016575, HP:0012265.

gnomAD v4.1: 6 of 1,597,510 alleles (0.00038%); highest among the groups gnomAD compares: African/African-American, 0.0013%; no homozygotes.

Submission:

Labcorp Genetics (formerly Invitae), Labcorp
Classification: Pathogenic for Primary ciliary dyskinesia. Last evaluated: 2025-07-21. Review status: criteria provided, single submitter. Criteria: Invitae Variant Classification Sherloc (09022015). Collection method: clinical testing. Allele origin: germline.
Comment: This sequence change creates a premature translational stop signal (p.Trp477*) in the DNAAF2 gene. It is expected to result in an absent or disrupted protein product. Loss-of-function variants in DNAAF2 are known to be pathogenic (PMID: 19052621, 24498942). The frequency data for this variant in the population databases is considered unreliable, as metrics indicate poor data quality at this position in the gnomAD database. This variant has not been reported in the literature in individuals affected with DNAAF2-related conditions. For these reasons, this variant has been classified as Pathogenic.

Literature cited by the submitters: PubMed 19052621; PubMed 24498942.